The following is an entry in ClinVar:

NM_000275.3(OCA2):c.1025A>G (p.Tyr342Cys)

Gene: OCA2 (OCA2 melanosomal transmembrane protein; minus strand). Cytogenetic location: 15q13.1.
Variant type: single nucleotide variant.
Coding change: c.1025A>G on transcript NM_000275.3 (MANE Select); coding-DNA position 1025, A replaced by G.
Protein change: p.Tyr342Cys; replaces tyrosine 342 with cysteine.
Molecular consequence: missense variant.
Genome position (GRCh38, 1-based): chr15:28,014,795, T>C on the plus strand (A>G on the coding strand, the complement: OCA2 is on the minus strand). VCF-style: chr15-28014795-T-C. GRCh37 (hg19) VCF-style: chr15-28259941-T-C.
Other names: c.1025A>G, p.Tyr342Cys (NM_001300984.2); short protein forms Y342C.
Identifiers: ClinVar variation 373910 (VCV000373910.36), dbSNP rs142931246, ClinGen allele CA7439258.

ClinVar aggregate classification (germline): Conflicting classifications of pathogenicity. Review status: criteria provided, conflicting classifications (1 of 4 stars). 17 submissions from 17 submitters: Pathogenic (6); Likely pathogenic (4); Uncertain significance (1). 6 of the submissions do not count toward it. Last evaluated 2026-03-24.

Conditions:
OCA2-related disorder. Also called: OCA2-related condition.
SKIN/HAIR/EYE PIGMENTATION 1, BLUE/NONBLUE EYES (SHEP1). Also called: BROWN EYE COLOR 2; EYE COLOR 3; EYE COLOR, BLUE/NONBLUE; EYE COLOR, BROWN/BLUE; HAIR COLOR 3; SKIN/HAIR/EYE PIGMENTATION 1, BLOND/BROWN HAIR. Identifiers: MedGen C1856895, OMIM 227220.
Tyrosinase-positive oculocutaneous albinism (OCA2). Also called: Albinism, oculocutaneous, type II; Oculocutaneous albinism type 2; ALBINISM II. Identifiers: Orphanet 79432, MedGen C0268495, MONDO:0008746, OMIM 203200.
Oculocutaneous albinism. Identifiers: Orphanet 55, MedGen C0078918, MONDO:0018910.
Albinism. Identifiers: MedGen C0001916, MONDO:0043209, HP:0001022.

Allele frequency attached by ClinVar (database versions not stated): ESP Exome Variant Server 0.00015; ExAC 0.00025; gnomAD exomes 0.00025 and 0.00040; TOPMed 0.00029.
gnomAD v4.1: 619 of 1,613,560 alleles (0.038%); highest among the groups gnomAD compares: Non-Finnish European, 0.05%; no homozygotes.

Submissions (17):

Molecular Genetics, University Hospital Bordeaux
Classification: Likely pathogenic for Tyrosinase-positive oculocutaneous albinism. Last evaluated: 2026-03-24. Review status: criteria provided, single submitter. Criteria: ACMG Guidelines, 2015. Collection method: clinical testing. Allele origin: germline. Inheritance: Autosomal recessive inheritance. Affected: yes. Observed: 1 variant allele, 1 compound heterozygote.
Comment: The variant is rare in the control population database gnomAD v4.1.0 (619 heterozygotes, 0 homozygote). The variant was classified as likely pathogenic according to the American College of Medical Genetics (ACMG) criteria: PM2 (rare variant), PM3 (in trans to a likely pathogenic variant), PP3 (predicted pathogenic by multiple in silico tools), PP5 (ClinVar ID: 373910 and described by others in the literature e.g. Mauri_2017, Norman_2017, Lasseaux_2018).

Labcorp Genetics (formerly Invitae), Labcorp
Classification: Pathogenic. Last evaluated: 2026-01-30. Review status: criteria provided, single submitter. Criteria: Invitae Variant Classification Sherloc (09022015). Collection method: clinical testing. Allele origin: germline.
Comment: This sequence change replaces tyrosine, which is neutral and polar, with cysteine, which is neutral and slightly polar, at codon 342 of the OCA2 protein (p.Tyr342Cys). This variant is present in population databases (rs142931246, gnomAD 0.04%). This missense change has been observed in individuals with clinical features of ocular albinism (PMID: 19060277, 27734839, 29345414). ClinVar contains an entry for this variant (Variation ID: 373910). Invitae Evidence Modeling of protein sequence and biophysical properties (such as structural, functional, and spatial information, amino acid conservation, physicochemical variation, residue mobility, and thermodynamic stability) indicates that this missense variant is expected to disrupt OCA2 protein function with a positive predictive value of 80%. For these reasons, this variant has been classified as Pathogenic.

GeneDx
Classification: Pathogenic. Last evaluated: 2025-11-19. Review status: criteria provided, single submitter. Criteria: GeneDx Variant Classification Process June 2021. Collection method: clinical testing. Allele origin: germline. Affected: yes.
Comment: Identified in two families with cutaneous malignant melanoma including one individual who harbored a second OCA2 missense variant of unknown phase (PMID: 29036293); In silico analysis supports that this missense variant has a deleterious effect on protein structure/function; This variant is associated with the following publications: (PMID: 31589614, 28224992, 23824587, 28667292, 34426522, 27734839, 34897530, 19060277, 29036293, 29345414, 38623954, 39333430, 40506967)

Dasa
Classification: Likely pathogenic. Last evaluated: 2025-11-17. Review status: criteria provided, single submitter. Criteria: DASA Assertion Criteria. Collection method: clinical testing. Allele origin: germline.
Comment: NM_000275.3(OCA2):c.1025A>G (p.Tyr342Cys) is a missense variant that results in the substitution of tyrosine with cysteine. The affected residue or protein region has prior evidence supporting clinical relevance. This variant has been recurrently observed in individuals with OCA2-related disorders (PMID: 28667292; PMID: 28224992; PMID: 19060277). Also, this variant is rare in population databases. Computational evidence supports a deleterious effect. Based on the currently available evidence, this variant is classified as likely pathogenic.

Variantyx, Inc.
Classification: Likely pathogenic for Tyrosinase-positive oculocutaneous albinism. Last evaluated: 2025-06-15. Review status: criteria provided, single submitter. Criteria: Variantyx Assertion Criteria 2022. Collection method: clinical testing. Allele origin: germline. Inheritance: Autosomal recessive inheritance. Affected: yes.
Comment: This is a nonsynonymous variant in the OCA2 gene (OMIM: 611409). Pathogenic variants in this gene have been associated with autosomal recessive oculocutaneous albinism type 2. Multiple computational algorithms predict a deleterious effect for this variant (REVEL score: 0.842) (PP3). The alteration has a 0.0501% maximum allele frequency in non-founder control populations (PM2). Based on the current evidence, this variant is classified as likely pathogenic for autosomal recessive oculocutaneous albinism type 2.

Laboratory of Genetic Epidemiology, Research Centre for Medical Genetics
Classification: Likely pathogenic for SKIN/HAIR/EYE PIGMENTATION 1, BLUE/NONBLUE EYES; Tyrosinase-positive oculocutaneous albinism. Last evaluated: 2025-01-01. Review status: criteria provided, single submitter. Criteria: ACMG Guidelines, 2015. Collection method: clinical testing. Allele origin: paternal. Inheritance: Autosomal recessive inheritance. Affected: yes. Observed: 1 compound heterozygote.
Comment: The missense variant NM_000275.3:c.1025A>G, p.(Tyr342Cys) was identified in heterozygous state in two probands diagnosed with albinism. This variant has been previously reported in the literature (PMIDs: 28224992, 19060277) and is listed in gnomAD v3.1.2 with allele frequency in Europe 0.0005 (39/67988) none in homozygous state. The affected amino acid position is evolutionarily conserved, and multiple in silico prediction tools support a deleterious effect. Taken together, the variant meets the following ACMG/AMP criteria and can be classified as likely pathogenic with PM2, PP3, PM3, PP5, PP4 criteria.

Blueprint Genetics
Classification: Pathogenic for OCA2-related disorders. Last evaluated: 2024-10-25. Review status: criteria provided, single submitter. Criteria: ACMG Guidelines, 2015. Collection method: clinical testing. Allele origin: germline. Affected: yes. Observed: 5 variant alleles.

Baylor Genetics
Classification: Pathogenic for SKIN/HAIR/EYE PIGMENTATION 1, BLUE/NONBLUE EYES. Last evaluated: 2024-03-24. Review status: criteria provided, single submitter. Criteria: ACMG Guidelines, 2015. Collection method: clinical testing. Allele origin: unknown.

Fulgent Genetics
Classification: Pathogenic for Tyrosinase-positive oculocutaneous albinism; SKIN/HAIR/EYE PIGMENTATION 1, BLUE/NONBLUE EYES. Last evaluated: 2024-03-13. Review status: criteria provided, single submitter. Criteria: ACMG Guidelines, 2015. Collection method: clinical testing. Allele origin: germline.

Women's Health and Genetics/Laboratory Corporation of America, LabCorp
Classification: Pathogenic for Oculocutaneous albinism. Last evaluated: 2023-02-16. Review status: criteria provided, single submitter. Criteria: LabCorp Variant Classification Summary - May 2015. Collection method: clinical testing. Allele origin: germline.
Comment: Variant summary: OCA2 c.1025A>G (p.Tyr342Cys) results in a non-conservative amino acid change located in the Citrate transporter-like domain (IPR004680) of the encoded protein sequence. Five of five in-silico tools predict a damaging effect of the variant on protein function. The variant allele was found at a frequency of 0.00025 in 250798 control chromosomes (gnomAD). This frequency is not significantly higher than estimated for a pathogenic variant in OCA2 causing Oculocutaneous Albinism (0.00025 vs 0.0043), allowing no conclusion about variant significance. c.1025A>G has been reported in the literature as a biallelic genotype in multiple individuals affected with Oculocutaneous Albinism (e.g. Mauri_2017, Norman_2017, Lasseaux_2018). These data indicate that the variant is very likely to be associated with disease. To our knowledge, no experimental evidence demonstrating an impact on protein function has been reported. Five ClinVar submitters have assessed the variant since 2014: two classified the variant as uncertain significance, two as likely pathogenic, and one as pathogenic. Based on the evidence outlined above, the variant was classified as pathogenic.

Department of Pathology and Laboratory Medicine, Sinai Health System
Classification: Uncertain significance for Tyrosinase-positive oculocutaneous albinism. Last evaluated: 2022-11-21. Review status: criteria provided, single submitter. Criteria: ACMG Guidelines, 2015. Collection method: research. Allele origin: germline.

PreventionGenetics, part of Exact Sciences
Classification: Likely pathogenic for OCA2-related condition. Last evaluated: 2024-05-10. Review status: no assertion criteria provided. Collection method: clinical testing. Allele origin: germline. Not counted in ClinVar's aggregate classification.
Comment: The OCA2 c.1025A>G variant is predicted to result in the amino acid substitution p.Tyr342Cys. This variant has been reported in the compound heterozygous state, along with a pathogenic variant, in one patient with ocular albinism (Norman et al. 2017. PubMed ID: 28667292, proband 16 in Table 2). This variant has also been reported in two patients, one with retinal dystrophy and another with ocular albinism (Haer-Wigman. 2017. PubMed ID: 28224992, Patient ID: 4795B; Grønskov. 2009. PubMed ID: 19060277; TABLE 3B, Patient ID: 2). A second causative variant was not identified in these patients. At PreventionGenetics, this variant along with another pathogenic or likely pathogenic variant was found in at least three patients with oculocutaneous albinism (OCA). Taken together, we consider the c.1025A>G (p.Tyr342Cys) variant as likely pathogenic.

Centre for Mendelian Genomics, University Medical Centre Ljubljana
Classification: Likely pathogenic for Albinism. Last evaluated: 2016-04-06. Review status: no assertion criteria provided. Collection method: clinical testing. Allele origin: unknown. Affected: yes. Not counted in ClinVar's aggregate classification.

Genome-Nilou Lab
Classification: Uncertain significance for Tyrosinase-positive oculocutaneous albinism. Last evaluated: 2021-11-07. Review status: flagged submission. Criteria: ACMG Guidelines, 2015. Collection method: clinical testing. Allele origin: germline. Affected: no. Not counted in ClinVar's aggregate classification.
ClinVar note: Reason: Outlier claim with insufficient supporting evidence

Clinical Genetics DNA and cytogenetics Diagnostics Lab, Erasmus MC, Erasmus Medical Center
Classification: Uncertain significance. Review status: flagged submission. Collection method: clinical testing. Allele origin: germline. Affected: yes. Study: VKGL Data-share Consensus. Not counted in ClinVar's aggregate classification.
ClinVar note: Reason: Outlier claim with insufficient supporting evidence

Diagnostic Laboratory, Department of Genetics, University Medical Center Groningen
Classification: Uncertain significance. Review status: flagged submission. Collection method: clinical testing. Allele origin: germline. Affected: yes. Study: VKGL Data-share Consensus. Not counted in ClinVar's aggregate classification.
ClinVar note: Reason: Outlier claim with insufficient supporting evidence

Joint Genome Diagnostic Labs from Nijmegen and Maastricht, Radboudumc and MUMC+
Classification: Uncertain significance. Review status: flagged submission. Collection method: clinical testing. Allele origin: germline. Affected: yes. Study: VKGL Data-share Consensus. Not counted in ClinVar's aggregate classification.
ClinVar note: Reason: Outlier claim with insufficient supporting evidence

Literature cited by the submitters: PubMed 19060277 (cited by 4 submitters); PubMed 27734839 (cited by 3 submitters); PubMed 29345414 (cited by Labcorp Genetics (formerly Invitae), Labcorp and Women's Health and Genetics/Laboratory Corporation of America, LabCorp); PubMed 28667292 (cited by 3 submitters); PubMed 28224992 (cited by 3 submitters); PubMed 34246199 (cited by Variantyx, Inc.); PubMed 41428507 (cited by Laboratory of Genetic Epidemiology, Research Centre for Medical Genetics).